The following is an entry in ClinVar:

ClinVar aggregate classification (germline): Pathogenic (1 of 4 stars; one submission).

Conditions:
Short-rib thoracic dysplasia 10 with or without polydactyly (SRTD10). Identifiers: Orphanet 474, MedGen C3810175, MONDO:0014284, OMIM 615630.
Retinitis pigmentosa 71 (RP71). Identifiers: Orphanet 791, MedGen C4225342, MONDO:0014618, OMIM 616394.

Submission:

Labcorp Genetics (formerly Invitae), Labcorp
Classification: Pathogenic for Retinitis pigmentosa 71; Short-rib thoracic dysplasia 10 with or without polydactyly. Last evaluated: 2020-01-31. Review status: criteria provided, single submitter. Criteria: Invitae Variant Classification Sherloc (09022015). Collection method: clinical testing. Allele origin: germline.
Comment: Loss-of-function variants in IFT172 are known to be pathogenic (PMID: 24140113). For these reasons, this variant has been classified as Pathogenic. This variant has not been reported in the literature in individuals with IFT172-related conditions. This variant is not present in population databases (ExAC no frequency). This sequence change creates a premature translational stop signal (p.Ser1561Phefs*12) in the IFT172 gene. It is expected to result in an absent or disrupted protein product.

Literature cited by the submitters: PubMed 24140113.

NM_015662.3(IFT172):c.4680_4683del (p.Ser1561fs)

Genes: IFT172 (intraflagellar transport 172; minus strand), KRTCAP3 (keratinocyte associated protein 3; plus strand). Cytogenetic location: 2p23.3.
Variant type: Deletion.
Coding change: c.4680_4683del on transcript NM_015662.3 (MANE Select); coding-DNA positions 4680 to 4683, 4 bases deleted (TTCT; older notation c.4680_4683delTTCT).
Protein change: p.Ser1561fs; shifts the reading frame from serine 1561.
Molecular consequence: frameshift variant. On other transcripts: 3 prime UTR variant (1).
Genome position (GRCh38, 1-based): chr2:27,446,332-27,446,335, AGAA deleted on the plus strand (TTCT on the coding strand, the reverse complement: IFT172 is on the minus strand); deleting any 4 consecutive bases within chr2:27,446,332-27,446,337 gives the same sequence; the c. name uses the placement nearest the transcript's 3' end. VCF-style (leftmost placement, unchanged base first): chr2-27446331-CAGAA-C. GRCh37 (hg19) VCF-style: chr2-27669198-CAGAA-C.
Other names: c.*39_*42del (NM_001168364.2); c.4614_4617del, p.Ser1539fs (NM_001410739.1); short protein forms S1561fs, S1539fs.
Identifiers: ClinVar variation 1071329 (VCV001071329.47), dbSNP rs1665095139, ClinGen allele CA1240277677.